The following is an entry in ClinVar:

NM_000268.4(NF2):c.1661G>A (p.Arg554Lys)

Gene: NF2 (NF2, moesin-ezrin-radixin like (MERLIN) tumor suppressor; plus strand). Cytogenetic location: 22q12.2.
Variant type: single nucleotide variant.
Coding change: c.1661G>A on transcript NM_000268.4 (MANE Select); coding-DNA position 1661, G replaced by A.
Protein change: p.Arg554Lys; replaces arginine 554 with lysine.
Molecular consequence: missense variant. On other transcripts: non-coding transcript variant (1), intron variant (1).
Genome position (GRCh38, 1-based): chr22:29,681,525, G>A. VCF-style: chr22-29681525-G-A. GRCh37 (hg19) VCF-style: chr22-30077514-G-A.
Other names: c.1661G>A, p.Arg554Lys (NM_016418.5, NM_181825.3, NM_181832.3); c.1535G>A, p.Arg512Lys (NM_181828.3); c.1538G>A, p.Arg513Lys (NM_181829.3); c.1412G>A, p.Arg471Lys (NM_181830.3, NM_181831.3); c.448-13227G>A (NM_181833.3); c.1661G>A (NM_181832.2); short protein forms R513K, R512K, R554K, R471K.
Identifiers: ClinVar variation 960618 (VCV000960618.18), dbSNP rs2067134618, ClinGen allele CA411150239.

ClinVar aggregate classification (germline): Uncertain significance. Review status: criteria provided, multiple submitters, no conflicts (2 of 4 stars). 6 submissions from 6 submitters: Uncertain significance (5). 1 of the submissions does not count toward it. Last evaluated 2025-02-19.

Conditions:
NF2-related disorder. Also called: NF2-related condition.
Hereditary cancer-predisposing syndrome. Also called: Tumor predisposition; Hereditary Cancer Syndrome; Neoplastic Syndromes, Hereditary; Hereditary neoplastic syndrome. Identifiers: Orphanet 140162, MedGen C0027672, MeSH D009386, MONDO:0015356.
Neurofibromatosis, type 2 (SWNV). Also called: BILATERAL ACOUSTIC NEUROFIBROMATOSIS; SCHWANNOMATOSIS, VESTIBULAR; NF2-Related Schwannomatosis. Identifiers: Orphanet 637, MedGen C0027832, MONDO:0007039, OMIM 101000. Disease mechanism: loss of function.
Familial meningioma. Also called: Meningioma, familial, susceptibility to. Identifiers: Orphanet 263662, MedGen C3551915, MONDO:0011789, OMIM 607174.

gnomAD v4.1: 2 of 1,614,198 alleles (0.00012%); highest among the groups gnomAD compares: South Asian, 0.0011%; no homozygotes.

Submissions (6):

Labcorp Genetics (formerly Invitae), Labcorp
Classification: Uncertain significance for Neurofibromatosis, type 2. Last evaluated: 2025-02-19. Review status: criteria provided, single submitter. Criteria: Invitae Variant Classification Sherloc (09022015). Collection method: clinical testing. Allele origin: germline.
Comment: This sequence change replaces arginine, which is basic and polar, with lysine, which is basic and polar, at codon 554 of the NF2 protein (p.Arg554Lys). This variant is not present in population databases (gnomAD no frequency). This variant has not been reported in the literature in individuals affected with NF2-related conditions. ClinVar contains an entry for this variant (Variation ID: 960618). Invitae Evidence Modeling of protein sequence and biophysical properties (such as structural, functional, and spatial information, amino acid conservation, physicochemical variation, residue mobility, and thermodynamic stability) indicates that this missense variant is not expected to disrupt NF2 protein function with a negative predictive value of 80%. In summary, the available evidence is currently insufficient to determine the role of this variant in disease. Therefore, it has been classified as a Variant of Uncertain Significance.

Ambry Genetics
Classification: Uncertain significance for Hereditary cancer-predisposing syndrome. Last evaluated: 2025-01-27. Review status: criteria provided, single submitter. Criteria: Ambry Variant Classification Scheme 2023. Collection method: clinical testing. Allele origin: germline.
Comment: The p.R554K variant (also known as c.1661G>A), located in coding exon 15 of the NF2 gene, results from a G to A substitution at nucleotide position 1661. The arginine at codon 554 is replaced by lysine, an amino acid with highly similar properties. This amino acid position is highly conserved in available vertebrate species. In addition, the in silico prediction for this alteration is inconclusive. Since supporting evidence is limited at this time, the clinical significance of this alteration remains unclear.

St. Jude Molecular Pathology, St. Jude Children's Research Hospital
Classification: Uncertain significance for Neurofibromatosis, type 2. Last evaluated: 2024-07-19. Review status: criteria provided, single submitter. Criteria: St. Jude Assertion Criteria 2020. Collection method: clinical testing. Allele origin: germline.
Comment: The NF2 c.1661G>A (p.Arg554Lys) missense change is absent in gnomAD v2.1.1. The in silico tool REVEL is inconclusive about a pathogenic or benign effect of this variant on protein function, but functional studies have not been performed. This variant has not been reported in individuals with neurofibromatosis type 2. In summary, the evidence currently available is insufficient to determine the clinical significance of this variant. It has therefore been classified as of uncertain significance.

Baylor Genetics
Classification: Uncertain significance for Familial meningioma. Last evaluated: 2024-01-05. Review status: criteria provided, single submitter. Criteria: ACMG Guidelines, 2015. Collection method: clinical testing. Allele origin: unknown.

All of Us Research Program, National Institutes of Health
Classification: Uncertain significance for Neurofibromatosis, type 2. Last evaluated: 2023-11-30. Review status: criteria provided, single submitter. Criteria: ACMG Guidelines, 2015. Collection method: clinical testing. Allele origin: germline. Inheritance: Autosomal dominant inheritance. Observed: 1 variant allele, 1 heterozygote.
Comment: This study involves interpretation of variants in research participants for the purpose of population health screening. Participant phenotype was not available at the time of variant classification. Additional details can be found in publication PMID: 35346344, PMCID: PMC8962531

PreventionGenetics, part of Exact Sciences
Classification: Uncertain significance for NF2-related condition. Last evaluated: 2024-02-26. Review status: no assertion criteria provided. Collection method: clinical testing. Allele origin: germline. Not counted in ClinVar's aggregate classification.
Comment: The NF2 c.1661G>A variant is predicted to result in the amino acid substitution p.Arg554Lys. To our knowledge, this variant has not been reported in the literature or in a large population database, indicating this variant is rare. At this time, the clinical significance of this variant is uncertain due to the absence of conclusive functional and genetic evidence.